The following is an entry in ClinVar:

NM_021942.6(TRAPPC11):c.446-4A>C

Gene: TRAPPC11 (trafficking protein particle complex subunit 11; plus strand). Cytogenetic location: 4q35.1.
Variant type: single nucleotide variant.
Coding change: c.446-4A>C on transcript NM_021942.6 (MANE Select); 4 bases into the intron before coding-DNA position 446, A replaced by C.
Molecular consequence: intron variant.
Genome position (GRCh38, 1-based): chr4:183,667,999, A>C. VCF-style: chr4-183667999-A-C. GRCh37 (hg19) VCF-style: chr4-184589152-A-C.
Other names: c.446-4A>C (NM_199053.3).
Identifiers: ClinVar variation 2120882 (VCV002120882.4), dbSNP rs2477091481, ClinGen allele CA2580071682.

ClinVar aggregate classification (germline): Uncertain significance (1 of 4 stars; one submission).

Conditions:
Autosomal recessive limb-girdle muscular dystrophy type R18 (LGMDR18). Also called: Limb-girdle muscular dystrophy, type 2S; MUSCULAR DYSTROPHY, LIMB-GIRDLE, AUTOSOMAL RECESSIVE 18; Autosomal recessive limb-girdle muscular dystrophy type 2S. Identifiers: Orphanet 369840, MedGen C4517996, MONDO:0014144, OMIM 615356.

Submission:

Labcorp Genetics (formerly Invitae), Labcorp
Classification: Uncertain significance for Autosomal recessive limb-girdle muscular dystrophy type R18. Last evaluated: 2022-04-02. Review status: criteria provided, single submitter. Criteria: Invitae Variant Classification Sherloc (09022015). Collection method: clinical testing. Allele origin: germline.
Comment: Algorithms developed to predict the effect of sequence changes on RNA splicing suggest that this variant may disrupt the consensus splice site. In summary, the available evidence is currently insufficient to determine the role of this variant in disease. Therefore, it has been classified as a Variant of Uncertain Significance. This variant has not been reported in the literature in individuals affected with TRAPPC11-related conditions. This variant is not present in population databases (gnomAD no frequency). This sequence change falls in intron 4 of the TRAPPC11 gene. It does not directly change the encoded amino acid sequence of the TRAPPC11 protein.